The following is an entry in ClinVar:

ClinVar aggregate classification (germline): Uncertain significance (1 of 4 stars; one submission).

Conditions:
Familial sleep-related hypermotor epilepsy. Also called: Autosomal Dominant Sleep-Related Hypermotor (Hyperkinetic) Epilepsy. Identifiers: Orphanet 98784, MedGen C3696898, MONDO:0000030.

gnomAD v4.1: 4 of 1,534,814 alleles (0.00026%); highest among the groups gnomAD compares: Non-Finnish European, 0.00026%; no homozygotes.

Submission:

Labcorp Genetics (formerly Invitae), Labcorp
Classification: Uncertain significance. Last evaluated: 2024-12-03. Review status: criteria provided, single submitter. Criteria: Invitae Variant Classification Sherloc (09022015). Collection method: clinical testing. Allele origin: germline.
Comment: This sequence change replaces proline, which is neutral and non-polar, with arginine, which is basic and polar, at codon 413 of the CHRNB2 protein (p.Pro413Arg). This variant is not present in population databases (gnomAD no frequency). This variant has not been reported in the literature in individuals affected with CHRNB2-related conditions. Invitae Evidence Modeling of protein sequence and biophysical properties (such as structural, functional, and spatial information, amino acid conservation, physicochemical variation, residue mobility, and thermodynamic stability) indicates that this missense variant is not expected to disrupt CHRNB2 protein function with a negative predictive value of 80%. In summary, the available evidence is currently insufficient to determine the role of this variant in disease. Therefore, it has been classified as a Variant of Uncertain Significance.

NM_000748.3(CHRNB2):c.1238C>G (p.Pro413Arg)

Gene: CHRNB2 (cholinergic receptor nicotinic beta 2 subunit; plus strand). Cytogenetic location: 1q21.3.
Variant type: single nucleotide variant.
Coding change: c.1238C>G on transcript NM_000748.3 (MANE Select); coding-DNA position 1238, C replaced by G.
Protein change: p.Pro413Arg; replaces proline 413 with arginine.
Molecular consequence: missense variant.
Genome position (GRCh38, 1-based): chr1:154,572,061, C>G. VCF-style: chr1-154572061-C-G. GRCh37 (hg19) VCF-style: chr1-154544537-C-G.
Other names: short protein forms P413R.
Identifiers: ClinVar variation 3706576 (VCV003706576.2).